The following is an entry in ClinVar:

ClinVar aggregate classification (germline): Likely pathogenic (1 of 4 stars; one submission).

Conditions:
Methylmalonic aciduria and homocystinuria type cblF. Also called: COBALAMIN F DISEASE; COBALAMIN, DEFECT IN LYSOSOMAL RELEASE OF; METHYLMALONIC ACIDEMIA AND HOMOCYSTINURIA, cblF TYPE; METHYLMALONIC ACIDURIA DUE TO VITAMIN B12-RELEASE DEFECT; VITAMIN B12 LYSOSOMAL RELEASE DEFECT; VITAMIN B12 STORAGE DISEASE. Identifiers: Orphanet 79284, MedGen C1848578, MONDO:0010183, OMIM 277380.

Submission:

Labcorp Genetics (formerly Invitae), Labcorp
Classification: Likely pathogenic for Methylmalonic aciduria and homocystinuria type cblF. Last evaluated: 2026-01-13. Review status: criteria provided, single submitter. Criteria: Invitae Variant Classification Sherloc (09022015). Collection method: clinical testing. Allele origin: germline.
Comment: This sequence change affects a donor splice site in intron 13 of the LMBRD1 gene. It is expected to disrupt RNA splicing. Variants that disrupt the donor or acceptor splice site typically lead to a loss of protein function (PMID: 16199547), and loss-of-function variants in LMBRD1 are known to be pathogenic (PMID: 19136951, 21303734). This variant is not present in population databases (gnomAD no frequency). This variant has not been reported in the literature in individuals affected with LMBRD1-related conditions. ClinVar contains an entry for this variant (Variation ID: 2836359). Algorithms developed to predict the effect of sequence changes on RNA splicing suggest that this variant may disrupt the consensus splice site. In summary, the currently available evidence indicates that the variant is pathogenic, but additional data are needed to prove that conclusively. Therefore, this variant has been classified as Likely Pathogenic.

Literature cited by the submitters: PubMed 16199547; PubMed 19136951; PubMed 21303734.

NM_018368.4(LMBRD1):c.1338+1G>C

Gene: LMBRD1 (LMBR1 domain containing 1; minus strand). Cytogenetic location: 6q13.
Variant type: single nucleotide variant.
Coding change: c.1338+1G>C on transcript NM_018368.4 (MANE Select); the canonical splice donor site of the intron after coding-DNA position 1338, G replaced by C.
Molecular consequence: splice donor variant.
Genome position (GRCh38, 1-based): chr6:69,699,042, C>G on the plus strand (G>C on the coding strand, the complement: LMBRD1 is on the minus strand). VCF-style: chr6-69699042-C-G. GRCh37 (hg19) VCF-style: chr6-70408934-C-G.
Other names: c.1119+1G>C (NM_001367272.1, NM_001367271.1, NM_001363722.2).
Identifiers: ClinVar variation 2836359 (VCV002836359.3), dbSNP rs2482216432, ClinGen allele CA364663558.
Genomic context (GRCh38, chr6:69,699,042, plus strand): 5'-CATTTTAAATATCACTATCTTTAAAATATCAAAATAATCAAGTTTCAAATATTTCACTTA[C>G]CTCTATTAAGTAATTTTGGCTTCCATACATAACATATTGGGGAGCAAGACTATAAATCAT-3'